The following is an entry in ClinVar:

NM_001042492.3(NF1):c.1788del (p.Leu597fs)

Gene: NF1 (neurofibromin 1; plus strand). Cytogenetic location: 17q11.2.
Variant type: Deletion.
Coding change: c.1788del on transcript NM_001042492.3 (MANE Select); coding-DNA position 1788, one base deleted (T; older notation c.1788delT).
Protein change: p.Leu597fs; shifts the reading frame from leucine 597.
Molecular consequence: frameshift variant.
Genome position (GRCh38, 1-based): chr17:31,223,510, T deleted; the last of 2 consecutive T bases (chr17:31,223,509-31,223,510); deleting either gives the same sequence. VCF-style (leftmost placement, unchanged base first): chr17-31223508-AT-A. GRCh37 (hg19) VCF-style: chr17-29550526-AT-A.
Other names: c.1788delT (NM_000267.3); c.1788delT, p.Leu597Serfs (NM_000267.4); short protein forms L597fs.
Identifiers: ClinVar variation 1780122 (VCV001780122.2), dbSNP rs2508125881, ClinGen allele CA2580092839.

ClinVar aggregate classification (germline): Pathogenic (1 of 4 stars; one submission).

Conditions:
Hereditary cancer-predisposing syndrome. Also called: Neoplastic Syndromes, Hereditary; Tumor predisposition; Hereditary Cancer Syndrome; Hereditary neoplastic syndrome. Identifiers: Orphanet 140162, MedGen C0027672, MeSH D009386, MONDO:0015356.
Cardiovascular phenotype. Identifiers: MedGen CN230736.

Submission:

Ambry Genetics
Classification: Pathogenic for Cardiovascular phenotype; Hereditary cancer-predisposing syndrome. Last evaluated: 2020-10-28. Review status: criteria provided, single submitter. Criteria: Ambry Variant Classification Scheme 2023. Collection method: clinical testing. Allele origin: germline.
Comment: The c.1788delT pathogenic mutation, located in coding exon 16 of the NF1 gene, results from a deletion of one nucleotide at nucleotide position 1788, causing a translational frameshift with a predicted alternate stop codon (p.L597Sfs*8). This alteration is expected to result in loss of function by premature protein truncation or nonsense-mediated mRNA decay. As such, this alteration is interpreted as a disease-causing mutation.